The following is an entry in ClinVar:

ClinVar aggregate classification (germline): Pathogenic/Likely pathogenic. Review status: criteria provided, multiple submitters, no conflicts (2 of 4 stars). 7 submissions from 7 submitters: Pathogenic (4); Likely pathogenic (1). 2 of the submissions do not count toward it. Last evaluated 2025-12-05.

Conditions:
KIF1A-related disorder. Also called: KIF1A-related disorders; KIF1A-related condition.
Hereditary spastic paraplegia 30. Identifiers: Orphanet 101010, MedGen C5235139, MONDO:0012476.
Neuropathy, hereditary sensory, type 2C. Also called: Hereditary sensory and autonomic neuropathy type IIC; KIF1A-Related HSAN2 (HSAN2C). Identifiers: Orphanet 970, MedGen C3280168, MONDO:0013634, OMIM 614213.
Intellectual disability, autosomal dominant 9 (NESCAVS). Also called: KIF1A-Related Neurodevelopmental Disorder; NESCAV SYNDROME. Identifiers: Orphanet 662367, MedGen C5393830, MONDO:0013656, OMIM 614255.
Neuropathy, hereditary sensory and autonomic, type 2A (HSAN2A). Also called: ACROOSTEOLYSIS, GIACCAI TYPE; ACROOSTEOLYSIS, NEUROGENIC; MORVAN DISEASE; NEUROPATHY, CONGENITAL SENSORY; NEUROPATHY, HEREDITARY SENSORY RADICULAR, AUTOSOMAL RECESSIVE; NEUROPATHY, HEREDITARY SENSORY, TYPE IIA. Identifiers: Orphanet 970, MedGen C2752089, MONDO:0024309, OMIM 201300.

Allele frequency attached by ClinVar (database versions not stated): gnomAD 0.00001; gnomAD exomes 0.00001; TOPMed 0.00001.

Submissions (7):

GeneDx
Classification: Likely pathogenic. Last evaluated: 2025-12-05. Review status: criteria provided, single submitter. Criteria: GeneDx Variant Classification Process June 2021. Collection method: clinical testing. Allele origin: germline.
Comment: Frameshift variant predicted to result in protein truncation or nonsense mediated decay in a gene or region of a gene for which loss of function is not a well-established mechanism of disease; Reported using an alternate transcript of the gene; Not observed at significant frequency in large population cohorts (gnomAD); This variant is associated with the following publications: (PMID: 28970574, 33739554, 21820098, 22258533)

Labcorp Genetics (formerly Invitae), Labcorp
Classification: Pathogenic for Hereditary spastic paraplegia 30; Neuropathy, hereditary sensory, type 2C; Intellectual disability, autosomal dominant 9. Last evaluated: 2025-05-26. Review status: criteria provided, single submitter. Criteria: Invitae Variant Classification Sherloc (09022015). Collection method: clinical testing. Allele origin: germline.
Comment: This sequence change falls in intron 24 of the KIF1A gene. It does not directly change the encoded amino acid sequence of the KIF1A protein. This variant is not present in population databases (gnomAD no frequency). This variant has been observed in individual(s) with autosomal recessive hereditary sensory and autonomic neuropathy (PMID: 21820098). In at least one individual the data is consistent with being in trans (on the opposite chromosome) from a pathogenic variant. This variant is also known as c.2840delT (p.Leu947Argfs*4). ClinVar contains an entry for this variant (Variation ID: 65859). Algorithms developed to predict the effect of sequence changes on RNA splicing suggest that this variant is not likely to affect RNA splicing. For these reasons, this variant has been classified as Pathogenic.

PreventionGenetics, part of Exact Sciences
Classification: Pathogenic for KIF1A-related condition. Last evaluated: 2025-04-23. Review status: criteria provided, single submitter. Criteria: ACMG Guidelines, 2015. Collection method: clinical testing. Allele origin: germline.
Comment: The KIF1A c.2840delT variant is predicted to result in a frameshift and premature protein termination (p.Leu947Argfs*4). This variant is located in the deep intronic region of the primary transcript (NM_004321:c.2555+1023delT). It has been reported to be causative for autosomal recessive hereditary sensory and autonomic neuropathy type II in nine patients from four families (Rivière et al. 2011. PubMed ID: 21820098). This variant has not been reported in a large population database, indicating this variant is rare and it has been consistently classified as pathogenic in ClinVar. Frameshift variants in KIF1A are expected to be pathogenic. This variant is interpreted as pathogenic.

Women's Health and Genetics/Laboratory Corporation of America, LabCorp
Classification: Pathogenic for Hereditary sensory and autonomic neuropathy type IIC. Last evaluated: 2020-09-17. Review status: criteria provided, single submitter. Criteria: LabCorp Variant Classification Summary - May 2015. Collection method: clinical testing. Allele origin: germline.
Comment: Variant summary: KIF1A c.2555+1023delT (NM_004321.7) is located in the intron 25 of the KIF1A gene. 4/4 computational tools predict no significant impact on normal splicing. However, these predictions have yet to be confirmed by functional studies. The variant was absent in 150700 control chromosomes (gnomAD and publication data). The KIF1A gene comprises 47 exons plus some alternatively spliced coding exons and has multiple different transcripts. In one of the alternative transcripts (NM_001244008.1) the variant is predicted to cause a frameshift change (c.2840delT, p.Leu947ArgfsX4). Riviere et al (2011) report c.2840delT, in the homozygous and compound heterozygous state, in 4 different families with multiple individuals affected with Hereditary Sensory And Autonomic Neuropathy Type IIC. They specify the variant is located in the alternatively spliced exon 25b and provide evidence that KIF1A exon-25b-containing isoform is strongly expressed in the nervous system. These data indicate that the variant is very likely to be associated with disease. To our knowledge, no experimental evidence demonstrating an impact on protein function has been reported. A ClinVar submitter (evaluation after 2014) cites the variant as pathogenic. Based on the evidence outlined above, the variant was classified as pathogenic.

Blueprint Genetics
Classification: Pathogenic for KIF1A-related disorders. Last evaluated: 2020-05-22. Review status: criteria provided, single submitter. Criteria: ACMG Guidelines, 2015. Collection method: clinical testing. Allele origin: germline. Affected: yes. Observed: 2 variant alleles.

OMIM
Classification: Pathogenic for NEUROPATHY, HEREDITARY SENSORY, TYPE IIC. Last evaluated: 2011-08-12. Review status: no assertion criteria provided. Collection method: literature only. Allele origin: germline. Not counted in ClinVar's aggregate classification.

GeneReviews
Classification: Pathogenic for Hereditary Sensory and Autonomic Neuropathy Type II. Last evaluated: 2010-11-23. Review status: no assertion criteria provided. Collection method: curation. Allele origin: unknown. Not counted in ClinVar's aggregate classification.
ClinVar note: Converted during submission from pathologic to Pathogenic.

Literature cited by the submitters: PubMed 21820098 (cited by 3 submitters); PubMed 28970574 (cited by Women's Health and Genetics/Laboratory Corporation of America, LabCorp); PubMed 31616253 (cited by Women's Health and Genetics/Laboratory Corporation of America, LabCorp); PubMed 22258533 (cited by Women's Health and Genetics/Laboratory Corporation of America, LabCorp); PubMed 25265257 (cited by Women's Health and Genetics/Laboratory Corporation of America, LabCorp).

NM_001244008.2(KIF1A):c.2840del (p.Leu947fs)

Gene: KIF1A (kinesin family member 1A; minus strand). Cytogenetic location: 2q37.3.
Variant type: Deletion.
Coding change: c.2840del on transcript NM_001244008.2 (MANE Select); coding-DNA position 2840, one base deleted (T; older notation c.2840delT).
Protein change: p.Leu947fs; shifts the reading frame from leucine 947.
Molecular consequence: frameshift variant. On other transcripts: intron variant (18).
Genome position (GRCh38, 1-based): chr2:240,757,337, A deleted on the plus strand (T on the coding strand, the reverse complement: KIF1A is on the minus strand). VCF-style (leftmost placement, unchanged base first): chr2-240757336-CA-C. GRCh37 (hg19) VCF-style: chr2-241696753-CA-C.
Other names: AB290172.1:c.2840delT; c.2840delT; c.2840delT (NM_001244008.1); c.2915del, p.Leu972fs (NM_001379631.1); c.2789del, p.Leu930fs (NM_001379632.1); c.2813del, p.Leu938fs (NM_001379633.1, NM_001379642.1, NM_001379645.1); c.2555+1023del (NM_001379653.1, NM_001379650.1, NM_001379640.1 and 6 more transcripts); c.2657+1023del (NM_001379635.1, NM_001330290.2, NM_001379646.1 and 1 more transcripts); and 2 more; short protein forms L947fs, L938fs, L930fs, L972fs.
Identifiers: ClinVar variation 65859 (VCV000065859.19), dbSNP rs587778791, ClinGen allele CA345189.